The following is an entry in ClinVar:

NM_001378457.1(DMXL2):c.671T>A (p.Phe224Tyr)

Gene: DMXL2 (Dmx like 2; minus strand). Cytogenetic location: 15q21.2.
Variant type: single nucleotide variant.
Coding change: c.671T>A on transcript NM_001378457.1 (MANE Select); coding-DNA position 671, T replaced by A.
Protein change: p.Phe224Tyr; replaces phenylalanine 224 with tyrosine.
Molecular consequence: missense variant. On other transcripts: non-coding transcript variant (2).
Genome position (GRCh38, 1-based): chr15:51,547,305, A>T on the plus strand (T>A on the coding strand, the complement: DMXL2 is on the minus strand). VCF-style: chr15-51547305-A-T. GRCh37 (hg19) VCF-style: chr15-51839502-A-T.
Other names: c.671T>A, p.Phe224Tyr (NM_001174116.3, NM_001174117.3, NM_001378458.1 and 7 more transcripts); short protein forms F224Y.
Identifiers: ClinVar variation 2637306 (VCV002637306.1), dbSNP rs745462018, ClinGen allele CA7562767.

ClinVar aggregate classification (germline): Uncertain significance (1 of 4 stars; one submission).

Conditions:
DMXL2-related disorder. Also called: DMXL2-related condition.

Allele frequency attached by ClinVar (database versions not stated): gnomAD exomes below 0.00001; ExAC 0.00001.
gnomAD v4.1: 5 of 1,613,242 alleles (0.00031%); highest among the groups gnomAD compares: South Asian, 0.0055%; no homozygotes.

Submission:

PreventionGenetics, part of Exact Sciences
Classification: Uncertain significance for DMXL2-related condition. Last evaluated: 2022-09-22. Review status: criteria provided, single submitter. Criteria: ACMG Guidelines, 2015. Collection method: clinical testing. Allele origin: germline.
Comment: The DMXL2 c.671T>A variant is predicted to result in the amino acid substitution p.Phe224Tyr. To our knowledge, this variant has not been reported in the literature. This variant is reported in 0.0065% of alleles in individuals of South Asian descent in gnomAD. At this time, the clinical significance of this variant is uncertain due to the absence of conclusive functional and genetic evidence.